The following is an entry in ClinVar:

NM_001166114.2(PNPLA6):c.1746_1748del (p.Leu583del)

Gene: PNPLA6 (patatin like domain 6, lysophospholipase; plus strand). Cytogenetic location: 19p13.2.
Variant type: Deletion.
Coding change: c.1746_1748del on transcript NM_001166114.2 (MANE Select); coding-DNA positions 1746 to 1748, 3 bases deleted (TCT; older notation c.1746_1748delTCT).
Protein change: p.Leu583del; deletes leucine 583.
Molecular consequence: inframe deletion.
Genome position (GRCh38, 1-based): chr19:7,550,044-7,550,046, TCT deleted. VCF-style (leftmost placement, unchanged base first): chr19-7550043-CTCT-C. GRCh37 (hg19) VCF-style: chr19-7614929-CTCT-C.
Other names: c.1629_1631del, p.Leu544del (NM_006702.5, NM_001166113.1); c.1773_1775del, p.Leu592del (NM_001166111.2); c.1551_1553del, p.Leu518del (NM_001166112.2); short protein forms L592del, L518del, L544del, L583del.
Identifiers: ClinVar variation 1913448 (VCV001913448.5), dbSNP rs760193392, ClinGen allele CA9139915.

ClinVar aggregate classification (germline): Uncertain significance (1 of 4 stars; one submission).

Conditions:
Hereditary spastic paraplegia 39 (SPG39). Also called: SPASTIC PARAPLEGIA 39, AUTOSOMAL RECESSIVE; Spastic Paraplegia Type 39 (SPG39). Identifiers: Orphanet 139480, MedGen C2677586, MONDO:0012787, OMIM 612020.

Allele frequency attached by ClinVar (database versions not stated): ExAC 0.00001; gnomAD exomes 0.00002.

Submission:

Labcorp Genetics (formerly Invitae), Labcorp
Classification: Uncertain significance for Hereditary spastic paraplegia 39. Last evaluated: 2022-04-06. Review status: criteria provided, single submitter. Criteria: Invitae Variant Classification Sherloc (09022015). Collection method: clinical testing. Allele origin: germline.
Comment: This variant is present in population databases (rs760193392, gnomAD 0.0009%). In summary, the available evidence is currently insufficient to determine the role of this variant in disease. Therefore, it has been classified as a Variant of Uncertain Significance. Experimental studies and prediction algorithms are not available or were not evaluated, and the functional significance of this variant is currently unknown. This variant has not been reported in the literature in individuals affected with PNPLA6-related conditions. This variant, c.1629_1631del, results in the deletion of 1 amino acid(s) of the PNPLA6 protein (p.Leu544del), but otherwise preserves the integrity of the reading frame.